The following is an entry in ClinVar:

NM_007129.5(ZIC2):c.1290C>T (p.Ser430=)

Gene: ZIC2 (Zic family zinc finger 2; plus strand). Cytogenetic location: 13q32.3.
Variant type: single nucleotide variant.
Coding change: c.1290C>T on transcript NM_007129.5 (MANE Select); coding-DNA position 1290, C replaced by T.
Protein change: p.Ser430=; no amino-acid change (serine 430 retained).
Molecular consequence: synonymous variant.
Genome position (GRCh38, 1-based): chr13:99,985,373, C>T. VCF-style: chr13-99985373-C-T. GRCh37 (hg19) VCF-style: chr13-100637627-C-T.
Identifiers: ClinVar variation 1433128 (VCV001433128.25), dbSNP rs780916615, ClinGen allele CA7032954.

ClinVar aggregate classification (germline): Likely benign. Review status: criteria provided, multiple submitters, no conflicts (2 of 4 stars). 2 submissions from 2 submitters: Likely benign (2). Last evaluated 2024-07-01.

Conditions:
Holoprosencephaly 5 (HPE5). Identifiers: Orphanet 2162, MedGen C1864827, MONDO:0012322, OMIM 609637.

Allele frequency attached by ClinVar (database versions not stated): gnomAD exomes below 0.00001; ExAC 0.00001; gnomAD 0.00001.
gnomAD v4.1: 5 of 1,597,686 alleles (0.00031%); highest among the groups gnomAD compares: Non-Finnish European, 0.00042%; no homozygotes.

Submissions (2):

CeGaT Center for Human Genetics Tuebingen
Classification: Likely benign. Last evaluated: 2024-07-01. Review status: criteria provided, single submitter. Criteria: CeGaT Center For Human Genetics Tuebingen Variant Classification Criteria Version 2. Collection method: clinical testing. Allele origin: germline. Affected: yes. Observed: 1 variant allele.
Comment: ZIC2: BP4, BP7

Labcorp Genetics (formerly Invitae), Labcorp
Classification: Likely benign for Holoprosencephaly 5. Last evaluated: 2021-02-26. Review status: criteria provided, single submitter. Criteria: Invitae Variant Classification Sherloc (09022015). Collection method: clinical testing. Allele origin: germline.